The following is an entry in ClinVar:

ClinVar aggregate classification (germline): Uncertain significance. Review status: criteria provided, multiple submitters, no conflicts (2 of 4 stars). 3 submissions from 3 submitters: Uncertain significance (3). Last evaluated 2021-09-01.

Conditions:
Hereditary hemochromatosis (HFE). Identifiers: MedGen C0392514, MONDO:0006507. Disease mechanism: loss of function.
Hemochromatosis type 3 (HFE3). Also called: HEMOCHROMATOSIS DUE TO DEFECT IN TRANSFERRIN RECEPTOR 2; Hereditary hemochromatosis type 3; TFR2-Related Hemochromatosis. Identifiers: Orphanet 225123, MedGen C1858664, MONDO:0011417, OMIM 604250.

Allele frequency attached by ClinVar (database versions not stated): ExAC below 0.00001; gnomAD exomes 0.00001 and 0.00002; gnomAD 0.00002; TOPMed 0.00002.
gnomAD v4.1: 33 of 1,539,576 alleles (0.0021%); highest among the groups gnomAD compares: Non-Finnish European, 0.0026%; no homozygotes.

Submissions (3):

Labcorp Genetics (formerly Invitae), Labcorp
Classification: Uncertain significance for Hereditary hemochromatosis. Last evaluated: 2021-09-01. Review status: criteria provided, single submitter. Criteria: Invitae Variant Classification Sherloc (09022015). Collection method: clinical testing. Allele origin: germline.
Comment: This sequence change replaces glycine with arginine at codon 668 of the TFR2 protein (p.Gly668Arg). The glycine residue is highly conserved and there is a moderate physicochemical difference between glycine and arginine. The frequency data for this variant in the population databases is considered unreliable, as metrics indicate poor data quality at this position in the ExAC database. This variant has not been reported in the literature in individuals affected with TFR2-related conditions. Algorithms developed to predict the effect of missense changes on protein structure and function (SIFT, PolyPhen-2, Align-GVGD) all suggest that this variant is likely to be disruptive. Algorithms developed to predict the effect of sequence changes on RNA splicing suggest that this variant may create or strengthen a splice site. In summary, the available evidence is currently insufficient to determine the role of this variant in disease. Therefore, it has been classified as a Variant of Uncertain Significance.

Department of Pathology and Laboratory Medicine, Sinai Health System
Classification: Uncertain significance for Hemochromatosis type 3. Last evaluated: 2021-07-30. Review status: criteria provided, single submitter. Criteria: ACMG Guidelines, 2015. Collection method: research. Allele origin: germline.

Illumina Laboratory Services, Illumina
Classification: Uncertain significance for Hemochromatosis type 3. Last evaluated: 2018-01-13. Review status: criteria provided, single submitter. Criteria: ICSL Variant Classification Criteria 13 December 2019. Collection method: clinical testing. Allele origin: germline.

NM_003227.4(TFR2):c.2002G>A (p.Gly668Arg)

Genes: TFR2 (transferrin receptor 2; minus strand), LOC113687175 (Sharpr-MPRA regulatory region 4647; plus strand). Cytogenetic location: 7q22.1.
Variant type: single nucleotide variant.
Coding change: c.2002G>A on transcript NM_003227.4 (MANE Select); coding-DNA position 2002, G replaced by A.
Protein change: p.Gly668Arg; replaces glycine 668 with arginine.
Molecular consequence: missense variant.
Genome position (GRCh38, 1-based): chr7:100,626,897, C>T on the plus strand (G>A on the coding strand, the complement: TFR2 is on the minus strand). VCF-style: chr7-100626897-C-T. GRCh37 (hg19) VCF-style: chr7-100224520-C-T.
Other names: c.1489G>A, p.Gly497Arg (NM_001206855.3); short protein forms G497R, G668R.
Identifiers: ClinVar variation 652902 (VCV000652902.10), dbSNP rs758539890, ClinGen allele CA4386227.